The following is an entry in ClinVar:

NM_016219.5(MAN1B1):c.689C>T (p.Thr230Ile)

Gene: MAN1B1 (mannosidase alpha class 1B member 1; plus strand). Cytogenetic location: 9q34.3.
Variant type: single nucleotide variant.
Coding change: c.689C>T on transcript NM_016219.5 (MANE Select); coding-DNA position 689, C replaced by T.
Protein change: p.Thr230Ile; replaces threonine 230 with isoleucine.
Molecular consequence: missense variant. On other transcripts: non-coding transcript variant (2).
Genome position (GRCh38, 1-based): chr9:137,097,896, C>T. VCF-style: chr9-137097896-C-T. GRCh37 (hg19) VCF-style: chr9-139992348-C-T.
Other names: short protein forms T230I.
Identifiers: ClinVar variation 855081 (VCV000855081.11), dbSNP rs199561708, ClinGen allele CA5358728.
Genomic context (GRCh38, chr9:137,097,896, plus strand): 5'-GAGCGGTGATCGAGCCTGAGCAGGGCACCGAGCTCCCTTCAAGAAGAGCAGAAGTGCCCA[C>T]CAAGCCTCCCCTGCCACCGGCCAGGACACAGGGCACACCAGGTGAGGCCACACCTGCACC-3'
Protein context (NP_057303.2, residues 220-240): ELPSRRAEVP[Thr230Ile]KPPLPPARTQ

ClinVar aggregate classification (germline): Uncertain significance. Review status: criteria provided, multiple submitters, no conflicts (2 of 4 stars). 3 submissions from 3 submitters: Uncertain significance (3). Last evaluated 2025-04-20.

Conditions:
Inborn genetic diseases. Identifiers: MedGen C0950123, MeSH D030342.
Rafiq syndrome (RAFQS). Identifiers: Orphanet 88616, MedGen C3280127, MONDO:0013624, OMIM 614202.

Allele frequency attached by ClinVar (database versions not stated): gnomAD exomes 0.00002 and 0.00005; ExAC 0.00010; TOPMed 0.00014; 1000 Genomes Project 0.00040; 1000 Genomes Project 30x 0.00047.
gnomAD v4.1: 109 of 1,560,518 alleles (0.007%); highest among the groups gnomAD compares: Admixed American, 0.14%; 1 homozygote.

Submissions (3):

Ambry Genetics
Classification: Uncertain significance for Inborn genetic diseases. Last evaluated: 2025-04-20. Review status: criteria provided, single submitter. Criteria: Ambry Variant Classification Scheme 2023. Collection method: clinical testing. Allele origin: germline.

Blueprint Genetics
Classification: Uncertain significance. Last evaluated: 2023-08-11. Review status: criteria provided, single submitter. Criteria: ACMG Guidelines, 2015. Collection method: clinical testing. Allele origin: germline.

Labcorp Genetics (formerly Invitae), Labcorp
Classification: Uncertain significance for Rafiq syndrome. Last evaluated: 2022-08-16. Review status: criteria provided, single submitter. Criteria: Invitae Variant Classification Sherloc (09022015). Collection method: clinical testing. Allele origin: germline.
Comment: This sequence change replaces threonine, which is neutral and polar, with isoleucine, which is neutral and non-polar, at codon 230 of the MAN1B1 protein (p.Thr230Ile). This variant is present in population databases (rs199561708, gnomAD 0.02%). This variant has not been reported in the literature in individuals affected with MAN1B1-related conditions. ClinVar contains an entry for this variant (Variation ID: 855081). Algorithms developed to predict the effect of missense changes on protein structure and function output the following: SIFT: "Tolerated"; PolyPhen-2: "Benign"; Align-GVGD: "Class C0". The isoleucine amino acid residue is found in multiple mammalian species, which suggests that this missense change does not adversely affect protein function. In summary, the available evidence is currently insufficient to determine the role of this variant in disease. Therefore, it has been classified as a Variant of Uncertain Significance.